The following is an entry in ClinVar:

ClinVar aggregate classification (germline): Benign/Likely benign. Review status: criteria provided, multiple submitters, no conflicts (2 of 4 stars). 4 submissions from 4 submitters: Benign (2); Likely benign (2). Last evaluated 2026-01-05.

Conditions:
Hereditary cancer-predisposing syndrome. Also called: Neoplastic Syndromes, Hereditary; Hereditary neoplastic syndrome; Tumor predisposition; Hereditary Cancer Syndrome. Identifiers: Orphanet 140162, MedGen C0027672, MeSH D009386, MONDO:0015356.
Tuberous sclerosis 1 (TSC1). Identifiers: Orphanet 805, MedGen C1854465, MONDO:0008612, OMIM 191100.
Tuberous sclerosis syndrome (TSC). Also called: Tuberous Sclerosis Complex; Tuberous sclerosis. Identifiers: Orphanet 805, MedGen C0041341, MONDO:0001734.

Allele frequency attached by ClinVar (database versions not stated): ExAC 0.00002; gnomAD 0.00002; gnomAD exomes 0.00002; TOPMed 0.00002.

Submissions (4):

Labcorp Genetics (formerly Invitae), Labcorp
Classification: Benign for Tuberous sclerosis 1. Last evaluated: 2026-01-05. Review status: criteria provided, single submitter. Criteria: Invitae Variant Classification Sherloc (09022015). Collection method: clinical testing. Allele origin: germline.

Color Diagnostics, LLC DBA Color Health
Classification: Likely benign for Tuberous sclerosis syndrome. Last evaluated: 2025-06-30. Review status: criteria provided, single submitter. Criteria: ACMG Guidelines, 2015. Collection method: clinical testing. Allele origin: germline.

Myriad Genetics, Inc.
Classification: Benign for Tuberous sclerosis 1. Last evaluated: 2025-04-10. Review status: criteria provided, single submitter. Criteria: Myriad Autosomal Dominant, Autosomal Recessive and X-Linked Classification Criteria (2023). Collection method: clinical testing. Allele origin: unknown.
Comment: This variant is considered benign. This variant is a silent/synonymous amino acid change and it is not expected to impact splicing.

Ambry Genetics
Classification: Likely benign for Hereditary cancer-predisposing syndrome. Last evaluated: 2020-11-04. Review status: criteria provided, single submitter. Criteria: Ambry Variant Classification Scheme 2023. Collection method: clinical testing. Allele origin: germline.

NM_000368.5(TSC1):c.1848C>T (p.Ala616=)

Gene: TSC1 (TSC complex subunit 1; minus strand). Cytogenetic location: 9q34.13.
Variant type: single nucleotide variant.
Coding change: c.1848C>T on transcript NM_000368.5 (MANE Select); coding-DNA position 1848, C replaced by T.
Protein change: p.Ala616=; no amino-acid change (alanine 616 retained).
Molecular consequence: synonymous variant.
Genome position (GRCh38, 1-based): chr9:132,905,730, G>A on the plus strand (C>T on the coding strand, the complement: TSC1 is on the minus strand). VCF-style: chr9-132905730-G-A. GRCh37 (hg19) VCF-style: chr9-135781117-G-A.
Other names: c.1845C>T, p.Ala615= (NM_001162426.2); c.1695C>T, p.Ala565= (NM_001162427.2); c.1485C>T, p.Ala495= (NM_001362177.2).
Identifiers: ClinVar variation 534506 (VCV000534506.15), dbSNP rs752286096, ClinGen allele CA029947.